The following is an entry in ClinVar:

NM_206933.4(USH2A):c.10904C>A (p.Thr3635Asn)

Gene: USH2A (usherin; minus strand). Cytogenetic location: 1q41.
Variant type: single nucleotide variant.
Coding change: c.10904C>A on transcript NM_206933.4 (MANE Select); coding-DNA position 10904, C replaced by A.
Protein change: p.Thr3635Asn; replaces threonine 3635 with asparagine.
Molecular consequence: missense variant.
Genome position (GRCh38, 1-based): chr1:215,779,878, G>T on the plus strand (C>A on the coding strand, the complement: USH2A is on the minus strand). VCF-style: chr1-215779878-G-T. GRCh37 (hg19) VCF-style: chr1-215953220-G-T.
Other names: short protein forms T3635N.
Identifiers: ClinVar variation 179843 (VCV000179843.15), dbSNP rs727505166, ClinGen allele CA185250.

ClinVar aggregate classification (germline): Conflicting classifications of pathogenicity. Review status: criteria provided, conflicting classifications (1 of 4 stars). 7 submissions from 7 submitters: Uncertain significance (4); Likely benign (2). 1 of the submissions does not count toward it. Last evaluated 2025-08-12.

Conditions:
Retinal dystrophy. Also called: Inherited retinal dystrophy. Identifiers: Orphanet 71862, MedGen C0854723, MeSH D058499, MONDO:0019118, HP:0000556.
Retinitis pigmentosa 39 (RP39). Identifiers: Orphanet 791, MedGen C3151138, MONDO:0013436, OMIM 613809.
Usher syndrome type 2A. Also called: RETINAL DISEASE IN USHER SYNDROME TYPE IIA, MODIFIER OF; USHER SYNDROME, TYPE IIA. Identifiers: Orphanet 231178, Orphanet 886, MedGen C1848634, MONDO:0010169, OMIM 276901.

Allele frequency attached by ClinVar (database versions not stated): gnomAD 0.00004; ExAC 0.00016; TOPMed 0.00017.
gnomAD v4.1: 66 of 1,614,014 alleles (0.0041%); highest among the groups gnomAD compares: East Asian, 0.14%; no homozygotes.

Submissions (7):

Labcorp Genetics (formerly Invitae), Labcorp
Classification: Likely benign. Last evaluated: 2025-08-12. Review status: criteria provided, single submitter. Criteria: Invitae Variant Classification Sherloc (09022015). Collection method: clinical testing. Allele origin: germline.

3billion
Classification: Uncertain significance for Retinitis pigmentosa 39. Last evaluated: 2024-09-06. Review status: criteria provided, single submitter. Criteria: ACMG Guidelines, 2015. Collection method: clinical testing. Allele origin: germline. Affected: yes.
Comment: The variant is observed at an extremely low frequency in the gnomAD v4.0.0 dataset (total allele frequency: 0.004%). Predicted Consequence/Location: Missense variant. The majority of the known disease-causing variants of this gene are variants expected to result in premature termination of the protein. In silico tool predictions suggest damaging effect of the variant on gene or gene product [REVEL: 0.05 (>=0.6, sensitivity 0.68 and specificity 0.92); 3Cnet: 0.84 (>=0.6, sensitivity 0.72 and precision 0.9)]. A different missense change at the same codon (p.Thr3635Pro) has been reported to be associated with USH2A related disorder (PMID: 24938718). However the evidence of pathogenicity is insufficient at this time. The variant has been reported as benign without evidence for the classification (ClinVar ID: VCV000179843). Therefore, this variant is classified as VUS according to the recommendation of ACMG/AMP guideline.

Blueprint Genetics
Classification: Uncertain significance. Last evaluated: 2024-08-30. Review status: criteria provided, single submitter. Criteria: ACMG Guidelines, 2015. Collection method: clinical testing. Allele origin: germline.

Dept Of Ophthalmology, Nagoya University
Classification: Likely benign for Retinal dystrophy. Last evaluated: 2023-10-01. Review status: criteria provided, single submitter. Criteria: Submitter's publication. Collection method: research. Allele origin: germline. Affected: yes.

Fulgent Genetics
Classification: Uncertain significance for Usher syndrome type 2A; Retinitis pigmentosa 39. Last evaluated: 2021-11-09. Review status: criteria provided, single submitter. Criteria: ACMG Guidelines, 2015. Collection method: clinical testing. Allele origin: unknown.

Laboratory for Molecular Medicine, Mass General Brigham Personalized Medicine
Classification: Uncertain significance. Last evaluated: 2014-06-27. Review status: criteria provided, single submitter. Criteria: LMM Criteria. Collection method: clinical testing. Allele origin: germline. Observed: 1 variant allele.
Comment: Computational prediction tools and c onservation analyses do not provide strong support for or against an impact to t he protein. In summary, the clinical significance of the Thr3635Asn variant is u ncertain.

Natera, Inc.
Classification: Uncertain significance for Usher syndrome type 2A. Last evaluated: 2020-09-16. Review status: no assertion criteria provided. Collection method: clinical testing. Allele origin: germline. Not counted in ClinVar's aggregate classification.

Literature cited by the submitters: PubMed 24938718 (cited by 3billion); PubMed 23967202 (cited by Laboratory for Molecular Medicine, Mass General Brigham Personalized Medicine).